The following is an entry in ClinVar:

ClinVar aggregate classification (germline): Uncertain significance. Review status: criteria provided, multiple submitters, no conflicts (2 of 4 stars). 2 submissions from 2 submitters: Uncertain significance (2). Last evaluated 2025-10-25.

Conditions:
Inborn genetic diseases. Identifiers: MedGen C0950123, MeSH D030342.

Allele frequency attached by ClinVar (database versions not stated): gnomAD exomes below 0.00001 and 0.00002; TOPMed below 0.00001; ExAC 0.00002; ESP Exome Variant Server 0.00008.
gnomAD v4.1: 7 of 1,614,006 alleles (0.00043%); highest among the groups gnomAD compares: Admixed American, 0.0033%; no homozygotes.

Submissions (2):

Ambry Genetics
Classification: Uncertain significance for Inborn genetic diseases. Last evaluated: 2025-10-25. Review status: criteria provided, single submitter. Criteria: Ambry Variant Classification Scheme 2023. Collection method: clinical testing. Allele origin: germline.

Labcorp Genetics (formerly Invitae), Labcorp
Classification: Uncertain significance. Last evaluated: 2021-07-08. Review status: criteria provided, single submitter. Criteria: Invitae Variant Classification Sherloc (09022015). Collection method: clinical testing. Allele origin: germline.
Comment: In summary, the available evidence is currently insufficient to determine the role of this variant in disease. Therefore, it has been classified as a Variant of Uncertain Significance. Algorithms developed to predict the effect of missense changes on protein structure and function output the following: SIFT: "Tolerated"; PolyPhen-2: "Benign"; Align-GVGD: "Class C0". The serine amino acid residue is found in multiple mammalian species, suggesting that this missense change does not adversely affect protein function. These predictions have not been confirmed by published functional studies and their clinical significance is uncertain. This variant has not been reported in the literature in individuals with POP1-related conditions. This variant is present in population databases (rs370897296, ExAC 0.003%). This sequence change replaces proline with serine at codon 744 of the POP1 protein (p.Pro744Ser). The proline residue is moderately conserved and there is a moderate physicochemical difference between proline and serine.

NM_001145860.2(POP1):c.2230C>T (p.Pro744Ser)

Gene: POP1 (POP1 ribonuclease P/MRP subunit; plus strand). Cytogenetic location: 8q22.2.
Variant type: single nucleotide variant.
Coding change: c.2230C>T on transcript NM_001145860.2 (MANE Select); coding-DNA position 2230, C replaced by T.
Protein change: p.Pro744Ser; replaces proline 744 with serine.
Molecular consequence: missense variant.
Genome position (GRCh38, 1-based): chr8:98,156,222, C>T. VCF-style: chr8-98156222-C-T. GRCh37 (hg19) VCF-style: chr8-99168450-C-T.
Other names: c.2230C>T (NM_015029.2); c.2230C>T, p.Pro744Ser (NM_001145861.2, NM_015029.3); short protein forms P744S.
Identifiers: ClinVar variation 1421931 (VCV001421931.9), dbSNP rs370897296, ClinGen allele CA4820794.